The following is an entry in ClinVar:

ClinVar aggregate classification (germline): Uncertain significance (1 of 4 stars; one submission).

Submission:

GeneDx
Classification: Uncertain significance. Last evaluated: 2019-07-30. Review status: criteria provided, single submitter. Criteria: GeneDx Variant Classification Process June 2021. Collection method: clinical testing. Allele origin: germline. Affected: yes.
Comment: Not observed in large population cohorts (Lek et al., 2016); In silico analysis, which includes protein predictors and evolutionary conservation, supports a deleterious effect; Has not been previously published as pathogenic or benign to our knowledge

NM_001005273.3(CHD3):c.2152C>G (p.Pro718Ala)

Gene: CHD3 (chromodomain helicase DNA binding protein 3; plus strand). Cytogenetic location: 17p13.1.
Variant type: single nucleotide variant.
Coding change: c.2152C>G on transcript NM_001005273.3 (MANE Select); coding-DNA position 2152, C replaced by G.
Protein change: p.Pro718Ala; replaces proline 718 with alanine.
Molecular consequence: missense variant.
Genome position (GRCh38, 1-based): chr17:7,899,011, C>G. VCF-style: chr17-7899011-C-G. GRCh37 (hg19) VCF-style: chr17-7802329-C-G.
Other names: c.2329C>G, p.Pro777Ala (NM_001005271.3); c.2152C>G, p.Pro718Ala (NM_005852.4); short protein forms P718A, P777A.
Identifiers: ClinVar variation 1304811 (VCV001304811.2), dbSNP rs2151560373, ClinGen allele CA397936615.
Genomic context (GRCh38, chr17:7,899,011, plus strand): 5'-ACTAAGACTGGAGGAGCCGCCGACTATTTCCTTGAGCTTTCTGACTTCTTGTCTCTATAG[C>G]CTACCGTGAAATATGAGACTCAGCCACGGTTTATCACAGCCACTGGAGGCACCCTGCACA-3'
Protein context (NP_001005273.1, residues 708-728): DGPPSSPTND[Pro718Ala]TVKYETQPRF